The following is an entry in ClinVar:

NC_000023.10:g.(?_32235013)_(33038337_?)del

Gene: DMD (dystrophin; minus strand). Cytogenetic location: Xp21.1.
Variant type: Deletion.
Identifiers: ClinVar variation 2424903 (VCV002424903.5).

ClinVar aggregate classification (germline): Pathogenic (1 of 4 stars; one submission).

Conditions:
Duchenne muscular dystrophy (DMD). Also called: Duchenne Muscular Dystrophy (DMD); MUSCULAR DYSTROPHY, PSEUDOHYPERTROPHIC PROGRESSIVE, DUCHENNE TYPE. Identifiers: Orphanet 98896, MedGen C0013264, MONDO:0010679, OMIM 310200.

Submission:

Labcorp Genetics (formerly Invitae), Labcorp
Classification: Pathogenic for Duchenne muscular dystrophy. Last evaluated: 2022-04-23. Review status: criteria provided, single submitter. Criteria: Invitae Variant Classification Sherloc (09022015). Collection method: clinical testing. Allele origin: germline.
Comment: For these reasons, this variant has been classified as Pathogenic. This variant disrupts a region of the DMD protein in which other variant(s) (Deletion (Exons 2-7)) have been determined to be pathogenic (PMID: 2063877, 11185740, 20031633). This suggests that this is a clinically significant region of the protein, and that variants that disrupt it are likely to be disease-causing. Studies have shown that a similar copy number variant is associated with altered splicing resulting in multiple RNA products (PMID: 7496177). A similar copy number variant has been observed in individual(s) with clinical features of DMD-related conditions (PMID: 7496177, 24928015, 33644936). This variant is a gross deletion of the genomic region encompassing exon(s) 2-44 of the DMD gene. This deletion is out-of-frame, and is expected to create a premature termination codon and result in an absent or disrupted protein product. Loss-of-function variants in DMD are known to be pathogenic (PMID: 16770791, 25007885).

Literature cited by the submitters: PubMed 2063877; PubMed 11185740; PubMed 20031633; PubMed 7496177; PubMed 24928015; PubMed 33644936; PubMed 16770791; PubMed 25007885.